The following is an entry in ClinVar:

ClinVar aggregate classification (germline): Pathogenic (1 of 4 stars; one submission).

Conditions:
Marfan syndrome (MFS). Also called: MARFAN SYNDROME, TYPE I; Marfan syndrome type 1; Marfan's syndrome; Marfan syndrome, classic; FBN1-Related Marfan Syndrome. Identifiers: Orphanet 284963, Orphanet 558, MedGen C0024796, MONDO:0007947, OMIM 154700.
Familial thoracic aortic aneurysm and aortic dissection (TAAD). Also called: Thoracic aortic aneurysms and dissections. Identifiers: Orphanet 91387, MedGen C4707243, MONDO:0019625.

Submission:

Labcorp Genetics (formerly Invitae), Labcorp
Classification: Pathogenic for Marfan syndrome; Familial thoracic aortic aneurysm and aortic dissection. Last evaluated: 2023-05-20. Review status: criteria provided, single submitter. Criteria: Invitae Variant Classification Sherloc (09022015). Collection method: clinical testing. Allele origin: germline.
Comment: For these reasons, this variant has been classified as Pathogenic. This variant has not been reported in the literature in individuals affected with FBN1-related conditions. This variant is not present in population databases (gnomAD no frequency). This sequence change creates a premature translational stop signal (p.Gly608*) in the FBN1 gene. It is expected to result in an absent or disrupted protein product. Loss-of-function variants in FBN1 are known to be pathogenic (PMID: 17657824, 19293843).

Literature cited by the submitters: PubMed 17657824; PubMed 19293843.

NM_000138.5(FBN1):c.1822G>T (p.Gly608Ter)

Gene: FBN1 (fibrillin 1; minus strand). Cytogenetic location: 15q21.1.
Variant type: single nucleotide variant.
Coding change: c.1822G>T on transcript NM_000138.5 (MANE Select); coding-DNA position 1822, G replaced by T.
Protein change: p.Gly608Ter; replaces glycine 608 with a stop codon.
Molecular consequence: nonsense.
Genome position (GRCh38, 1-based): chr15:48,508,597, C>A on the plus strand (G>T on the coding strand, the complement: FBN1 is on the minus strand). VCF-style: chr15-48508597-C-A. GRCh37 (hg19) VCF-style: chr15-48800794-C-A.
Other names: c.1822G>T, p.Gly608Ter (NM_001406716.1); short protein forms G608*.
Identifiers: ClinVar variation 2947991 (VCV002947991.3), dbSNP rs2505602361, ClinGen allele CA392340205.
Genomic context (GRCh38, chr15:48,508,597, plus strand): 5'-GAAAAGGCACGTGAAGAACATGATCTAGGGTTTTATAGCACGAACCTTTGCAATAACGTC[C>A]ATCTGATGCCAGCTGGAATCCAGGTTTGCAAATACATTTAAAACTGCCATCTTCATTGAT-3'